The following is an entry in ClinVar:

NM_000018.4(ACADVL):c.904A>T (p.Ile302Phe)

Gene: ACADVL (acyl-CoA dehydrogenase very long chain; plus strand). Cytogenetic location: 17p13.1.
Variant type: single nucleotide variant.
Coding change: c.904A>T on transcript NM_000018.4 (MANE Select); coding-DNA position 904, A replaced by T.
Protein change: p.Ile302Phe; replaces isoleucine 302 with phenylalanine.
Molecular consequence: missense variant.
Genome position (GRCh38, 1-based): chr17:7,222,692, A>T. VCF-style: chr17-7222692-A-T. GRCh37 (hg19) VCF-style: chr17-7126011-A-T.
Other names: c.838A>T, p.Ile280Phe (NM_001033859.3); c.973A>T, p.Ile325Phe (NM_001270447.2); c.676A>T, p.Ile226Phe (NM_001270448.2); short protein forms I226F, I325F, I280F, I302F.
Identifiers: ClinVar variation 932760 (VCV000932760.2), dbSNP rs2071288448, ClinGen allele CA397723940.

ClinVar aggregate classification (germline): Uncertain significance (1 of 4 stars; one submission).

Conditions:
Very long chain acyl-CoA dehydrogenase deficiency (ACADVLD). Also called: Very Long-Chain Acyl-Coenzyme A Dehydrogenase Deficiency; VLCAD Deficiency. Identifiers: Orphanet 26793, MedGen C3887523, MONDO:0008723, OMIM 201475.

Submission:

Wong Mito Lab, Molecular and Human Genetics, Baylor College of Medicine
Classification: Uncertain significance for Very long chain acyl-CoA dehydrogenase deficiency. Last evaluated: 2019-11-01. Review status: criteria provided, single submitter. Criteria: ACMG Guidelines, 2015. Collection method: clinical testing. Allele origin: germline.
Comment: The NM_000018.3:c.904A>T (NP_000009.1:p.Ile302Phe) [GRCH38: NC_000017.11:g.7222692A>T] variant in ACADVL gene is interpretated to be Uncertain Significance based on ACMG guidelines (PMID: 25741868). This variant has been reported. This variant meets the following evidence codes reported in the ACMG guidelines: PP3